The following is an entry in ClinVar:

NM_002693.3(POLG):c.2203G>C (p.Gly735Arg)

Gene: POLG (DNA polymerase gamma, catalytic subunit; minus strand). Cytogenetic location: 15q26.1.
Variant type: single nucleotide variant.
Coding change: c.2203G>C on transcript NM_002693.3 (MANE Select); coding-DNA position 2203, G replaced by C.
Protein change: p.Gly735Arg; replaces glycine 735 with arginine.
Molecular consequence: missense variant.
Genome position (GRCh38, 1-based): chr15:89,323,466, C>G on the plus strand (G>C on the coding strand, the complement: POLG is on the minus strand). VCF-style: chr15-89323466-C-G. GRCh37 (hg19) VCF-style: chr15-89866697-C-G.
Other names: c.2203G>C, p.Gly735Arg (NM_001126131.2); short protein forms G735R.
Identifiers: ClinVar variation 1722178 (VCV001722178.6), dbSNP rs2509230167, ClinGen allele CA393756773.

ClinVar aggregate classification (germline): Uncertain significance (1 of 4 stars; one submission).

Conditions:
Progressive sclerosing poliodystrophy (MTDPS4A). Also called: NEURONAL DEGENERATION OF CHILDHOOD WITH LIVER DISEASE, PROGRESSIVE; Alpers Syndrome; ALPERS DIFFUSE DEGENERATION OF CEREBRAL GRAY MATTER WITH HEPATIC CIRRHOSIS; Alpers-Huttenlocher Syndrome; Mitochondrial DNA Depletion Syndrome 4A; Alpers-Huttenlocher Syndrome (AHS). Identifiers: Orphanet 726, MedGen C0205710, MONDO:0008758, OMIM 203700.

Submission:

Labcorp Genetics (formerly Invitae), Labcorp
Classification: Uncertain significance for Progressive sclerosing poliodystrophy. Last evaluated: 2022-10-27. Review status: criteria provided, single submitter. Criteria: Invitae Variant Classification Sherloc (09022015). Collection method: clinical testing. Allele origin: germline.
Comment: This sequence change replaces glycine, which is neutral and non-polar, with arginine, which is basic and polar, at codon 735 of the POLG protein (p.Gly735Arg). This variant is not present in population databases (gnomAD no frequency). This variant has not been reported in the literature in individuals affected with POLG-related conditions. Advanced modeling of protein sequence and biophysical properties (such as structural, functional, and spatial information, amino acid conservation, physicochemical variation, residue mobility, and thermodynamic stability) performed at Invitae indicates that this missense variant is expected to disrupt POLG protein function. In summary, the available evidence is currently insufficient to determine the role of this variant in disease. Therefore, it has been classified as a Variant of Uncertain Significance.